The following is an entry in ClinVar:

NM_032043.3(BRIP1):c.1436A>G (p.Lys479Arg)

Gene: BRIP1 (BRCA1 interacting DNA helicase 1; minus strand). Cytogenetic location: 17q23.2.
Variant type: single nucleotide variant.
Coding change: c.1436A>G on transcript NM_032043.3 (MANE Select); coding-DNA position 1436, A replaced by G.
Protein change: p.Lys479Arg; replaces lysine 479 with arginine.
Molecular consequence: missense variant.
Genome position (GRCh38, 1-based): chr17:61,793,634, T>C on the plus strand (A>G on the coding strand, the complement: BRIP1 is on the minus strand). VCF-style: chr17-61793634-T-C. GRCh37 (hg19) VCF-style: chr17-59870995-T-C.
Other names: short protein forms K479R.
Identifiers: ClinVar variation 1717794 (VCV001717794.8), dbSNP rs2545106369, ClinGen allele CA400482107.

ClinVar aggregate classification (germline): Uncertain significance. Review status: criteria provided, multiple submitters, no conflicts (2 of 4 stars). 2 submissions from 2 submitters: Uncertain significance (2). Last evaluated 2023-04-04.

Conditions:
Familial cancer of breast. Also called: BREAST CANCER, FAMILIAL; Hereditary breast cancer; hereditary breast carcinoma. Identifiers: Orphanet 227535, MedGen C0346153, MONDO:0016419, OMIM 114480. Disease mechanism: loss of function.
Fanconi anemia complementation group J. Also called: BRIP1-Related Fanconi Anemia. Identifiers: Orphanet 84, MedGen C1836860, MONDO:0012187, OMIM 609054.
Hereditary cancer-predisposing syndrome. Also called: Hereditary neoplastic syndrome; Tumor predisposition; Neoplastic Syndromes, Hereditary; Hereditary Cancer Syndrome. Identifiers: Orphanet 140162, MedGen C0027672, MeSH D009386, MONDO:0015356.

Submissions (2):

Labcorp Genetics (formerly Invitae), Labcorp
Classification: Uncertain significance for Familial cancer of breast; Fanconi anemia complementation group J. Last evaluated: 2023-04-04. Review status: criteria provided, single submitter. Criteria: Invitae Variant Classification Sherloc (09022015). Collection method: clinical testing. Allele origin: germline.
Comment: This sequence change replaces lysine, which is basic and polar, with arginine, which is basic and polar, at codon 479 of the BRIP1 protein (p.Lys479Arg). In summary, the available evidence is currently insufficient to determine the role of this variant in disease. Therefore, it has been classified as a Variant of Uncertain Significance. Advanced modeling of protein sequence and biophysical properties (such as structural, functional, and spatial information, amino acid conservation, physicochemical variation, residue mobility, and thermodynamic stability) performed at Invitae indicates that this missense variant is not expected to disrupt BRIP1 protein function. ClinVar contains an entry for this variant (Variation ID: 1717794). This variant has not been reported in the literature in individuals affected with BRIP1-related conditions. This variant is not present in population databases (gnomAD no frequency).

Ambry Genetics
Classification: Uncertain significance for Hereditary cancer-predisposing syndrome. Last evaluated: 2022-10-29. Review status: criteria provided, single submitter. Criteria: Ambry Variant Classification Scheme 2023. Collection method: clinical testing. Allele origin: germline.
Comment: The p.K479R variant (also known as c.1436A>G), located in coding exon 9 of the BRIP1 gene, results from an A to G substitution at nucleotide position 1436. The lysine at codon 479 is replaced by arginine, an amino acid with highly similar properties. This amino acid position is conserved. In addition, this alteration is predicted to be tolerated by in silico analysis. Since supporting evidence is limited at this time, the clinical significance of this alteration remains unclear.